The following is an entry in ClinVar:

ClinVar aggregate classification (germline): Uncertain significance. Review status: criteria provided, single submitter (1 of 4 stars). 2 submissions from 2 submitters: Uncertain significance (1). 1 of the submissions does not count toward it. Last evaluated 2024-11-18.

Conditions:
Fanconi anemia (FA). Also called: Fanconi's anemia. Identifiers: Orphanet 84, MedGen C0015625, MeSH D005199, MONDO:0019391.
Inborn genetic diseases. Identifiers: MedGen C0950123, MeSH D030342.

gnomAD v4.1: 1 of 1,613,776 alleles (0.000062%); highest among the groups gnomAD compares: Non-Finnish European, 0.000085%; no homozygotes.

Submissions (2):

Ambry Genetics
Classification: Uncertain significance for Inborn genetic diseases. Last evaluated: 2024-11-18. Review status: criteria provided, single submitter. Criteria: Ambry Variant Classification Scheme 2023. Collection method: clinical testing. Allele origin: germline.
Comment: The p.V499I variant (also known as c.1495G>A), located in coding exon 16 of the FANCA gene, results from a G to A substitution at nucleotide position 1495. The valine at codon 499 is replaced by isoleucine, an amino acid with highly similar properties. This amino acid position is conserved. In addition, the in silico prediction for this alteration is inconclusive. Based on the available evidence, the clinical significance of this variant remains unclear.

Natera, Inc.
Classification: Uncertain significance for Fanconi anemia. Last evaluated: 2025-04-10. Review status: no assertion criteria provided. Collection method: clinical testing. Allele origin: germline. Not counted in ClinVar's aggregate classification.

NM_000135.4(FANCA):c.1495G>A (p.Val499Ile)

Gene: FANCA (FA complementation group A; minus strand). Cytogenetic location: 16q24.3.
Variant type: single nucleotide variant.
Coding change: c.1495G>A on transcript NM_000135.4 (MANE Select); coding-DNA position 1495, G replaced by A.
Protein change: p.Val499Ile; replaces valine 499 with isoleucine.
Molecular consequence: missense variant.
Genome position (GRCh38, 1-based): chr16:89,783,078, C>T on the plus strand (G>A on the coding strand, the complement: FANCA is on the minus strand). VCF-style: chr16-89783078-C-T. GRCh37 (hg19) VCF-style: chr16-89849486-C-T.
Other names: c.1495G>A, p.Val499Ile (NM_001286167.3); c.1495G>A (NM_000135.3); short protein forms V499I.
Identifiers: ClinVar variation 3512631 (VCV003512631.2).